The following is an entry in ClinVar:

ClinVar aggregate classification (germline): Uncertain significance. Review status: criteria provided, multiple submitters, no conflicts (2 of 4 stars). 2 submissions from 2 submitters: Uncertain significance (2). Last evaluated 2022-02-04.

Conditions:
Developmental and epileptic encephalopathy, 34 (DEE34). Also called: Early infantile epileptic encephalopathy 34; SLC12A5-Related Epilepsy of Infancy with Migrating Focal Seizures. Identifiers: Orphanet 293181, MedGen C4225257, MONDO:0014718, OMIM 616645.
Epilepsy, idiopathic generalized, susceptibility to, 14 (EIG14). Identifiers: MedGen C4225245, MONDO:0014734, OMIM 616685.

Allele frequency attached by ClinVar (database versions not stated): gnomAD exomes below 0.00001 and 0.00001; ExAC 0.00001; gnomAD 0.00003 and 0.00004; TOPMed 0.00003.
gnomAD v4.1: 7 of 1,614,068 alleles (0.00043%); highest among the groups gnomAD compares: African/African-American, 0.008%; no homozygotes.

Submissions (2):

Labcorp Genetics (formerly Invitae), Labcorp
Classification: Uncertain significance for Developmental and epileptic encephalopathy, 34. Last evaluated: 2022-02-04. Review status: criteria provided, single submitter. Criteria: Invitae Variant Classification Sherloc (09022015). Collection method: clinical testing. Allele origin: germline.
Comment: This sequence change replaces glutamic acid, which is acidic and polar, with lysine, which is basic and polar, at codon 819 of the SLC12A5 protein (p.Glu819Lys). This variant is present in population databases (rs751841577, gnomAD 0.02%). This variant has not been reported in the literature in individuals affected with SLC12A5-related conditions. Advanced modeling of protein sequence and biophysical properties (such as structural, functional, and spatial information, amino acid conservation, physicochemical variation, residue mobility, and thermodynamic stability) performed at Invitae indicates that this missense variant is not expected to disrupt SLC12A5 protein function. In summary, the available evidence is currently insufficient to determine the role of this variant in disease. Therefore, it has been classified as a Variant of Uncertain Significance.

New York Genome Center
Classification: Uncertain significance for Epilepsy, idiopathic generalized, susceptibility to, 14; Developmental and epileptic encephalopathy, 34. Last evaluated: 2021-02-12. Review status: criteria provided, single submitter. Criteria: NYGC Assertion Criteria 2020. Collection method: clinical testing. Allele origin: inherited. Observed: 1 heterozygote. Study: CSER-NYCKidSeq.
Comment: The inherited c.2455G>A (p.Glu819Lys) variant identified in the SLC12A5 gene substitutes a well conserved Glutamic Acid for Lysine at amino acid 819/1117 (exon 19/26). This variant is found with low frequency in gnomAD(v3.1) (5 heterozygotes, 0 homozygotes; allele frequency: 3.29e-5) suggesting it is not a common benign variant in the populations represented in that database. In silico algorithms predict this variant to be Damaging (SIFT; score: 0.015) and Pathogenic (REVEL; score: 0.699) to the function of the canonical transcript. This variant is absent from ClinVar and to our current knowledge has not been reported in affected individuals in the literature. The p.Glu819 residue is not within a mapped domain of SLC12A5 (UniProtKB:Q9H2X9). Given the lack of compelling evidence for its pathogenicity, the inherited c.2455G>A (p.Glu819Lys) variant identified in the SLC12A5 gene is reported as a Variant of Uncertain Significance.

NM_020708.5(SLC12A5):c.2455G>A (p.Glu819Lys)

Gene: SLC12A5 (solute carrier family 12 member 5; plus strand). Cytogenetic location: 20q13.12.
Variant type: single nucleotide variant.
Coding change: c.2455G>A on transcript NM_020708.5 (MANE Select); coding-DNA position 2455, G replaced by A.
Protein change: p.Glu819Lys; replaces glutamic acid 819 with lysine.
Molecular consequence: missense variant.
Genome position (GRCh38, 1-based): chr20:46,053,034, G>A. VCF-style: chr20-46053034-G-A. GRCh37 (hg19) VCF-style: chr20-44681673-G-A.
Other names: c.2524G>A, p.Glu842Lys (NM_001134771.2); short protein forms E819K, E842K.
Identifiers: ClinVar variation 1341856 (VCV001341856.7), dbSNP rs751841577, ClinGen allele CA9887614.
Genomic context (GRCh38, chr20:46,053,034, plus strand): 5'-ACAGCTGGCCACTTAGCCCTGCTGGTCACCAAGAACGTTTCCATGTTTCCTGGGAACCCT[G>A]AGCGCTTCTCTGAGGGCAGCATCGACGTTTGGTGGATTGTGCACGATGGAGGCATGCTCA-3'
Protein context (NP_065759.1, residues 809-829): KNVSMFPGNP[Glu819Lys]RFSEGSIDVW